The following is an entry in ClinVar:

Conditions:
Arteriohepatic dysplasia. Also called: Alagille Syndrome. Identifiers: Orphanet 52, MedGen C0085280, MeSH D016738, MONDO:0007318.

Submission:

Gilbert/Spinner Lab, Children's Hospital of Philadelphia
No classification provided (evidence only). Condition: Alagille syndrome. Review status: no classification provided. Collection method: research. Allele origin: not applicable. Functional consequence: functionally_abnormal.
ClinVar note: "not provided" was previously submitted as the classification for the variant. However, the classification appeared to be based only on an observation of functional data so it was converted to no classification on 2025-07-30.

NM_000214.3(JAG1):c.475G>A (p.Gly159Ser)

Gene: JAG1 (jagged canonical Notch ligand 1; minus strand). Cytogenetic location: 20p12.2.
Variant type: single nucleotide variant.
Coding change: c.475G>A on transcript NM_000214.3 (MANE Select); coding-DNA position 475, G replaced by A.
Protein change: p.Gly159Ser; replaces glycine 159 with serine.
Molecular consequence: missense variant.
Genome position (GRCh38, 1-based): chr20:10,658,687, C>T on the plus strand (G>A on the coding strand, the complement: JAG1 is on the minus strand). VCF-style: chr20-10658687-C-T. GRCh37 (hg19) VCF-style: chr20-10639335-C-T.
Other names: short protein forms G159S.
Identifiers: ClinVar variation 3573038 (VCV003573038.2).